The following is an entry in ClinVar:

ClinVar aggregate classification (germline): Likely benign. Review status: criteria provided, multiple submitters, no conflicts (2 of 4 stars). 2 submissions from 2 submitters: Likely benign (2). Last evaluated 2026-08-04.

Conditions:
KMT2D-related disorder. Also called: KMT2D-Related Disorders.
Kabuki syndrome. Also called: Kabuki make-up syndrome; NIIKAWA-KUROKI SYNDROME. Identifiers: Orphanet 2322, MedGen C0796004, MONDO:0016512.

Submissions (2):

PreventionGenetics, part of Exact Sciences
Classification: Likely benign for KMT2D-related condition. Last evaluated: 2026-08-04. Review status: criteria provided, single submitter. Criteria: ACMG Guidelines, 2015. Collection method: clinical testing. Allele origin: germline.
Comment: This variant is classified as likely benign based on ACMG/AMP sequence variant interpretation guidelines (Richards et al. 2015 PMID: 25741868, with internal and published modifications).

Labcorp Genetics (formerly Invitae), Labcorp
Classification: Likely benign for Kabuki syndrome. Last evaluated: 2024-03-13. Review status: criteria provided, single submitter. Criteria: Invitae Variant Classification Sherloc (09022015). Collection method: clinical testing. Allele origin: germline.

NM_003482.4(KMT2D):c.16521+8del

Gene: KMT2D (lysine methyltransferase 2D; minus strand). Cytogenetic location: 12q13.12.
Variant type: Deletion.
Coding change: c.16521+8del on transcript NM_003482.4 (MANE Select); 8 bases into the intron after coding-DNA position 16521, one base deleted (G; older notation c.16521+8delG).
Molecular consequence: intron variant.
Genome position (GRCh38, 1-based): chr12:49,022,035, C deleted on the plus strand (G on the coding strand, the reverse complement: KMT2D is on the minus strand); the first of 2 consecutive C bases (chr12:49,022,035-49,022,036); deleting either gives the same sequence. VCF-style (leftmost placement, unchanged base first): chr12-49022034-TC-T. GRCh37 (hg19) VCF-style: chr12-49415817-TC-T.
Other names: c.16521+8delG (NM_003482.3).
Identifiers: ClinVar variation 3693997 (VCV003693997.3).